The following is an entry in ClinVar:

NM_000185.4(SERPIND1):c.465C>T (p.Pro155=)

Genes: PI4KA (phosphatidylinositol 4-kinase alpha; minus strand), SERPIND1 (serpin family D member 1; plus strand). Cytogenetic location: 22q11.21.
Variant type: single nucleotide variant.
Coding change: c.465C>T on transcript NM_000185.4 (MANE Select); coding-DNA position 465, C replaced by T.
Protein change: p.Pro155=; no amino-acid change (proline 155 retained).
Molecular consequence: synonymous variant. On other transcripts: intron variant (3).
Genome position (GRCh38, 1-based): chr22:20,779,777, C>T. VCF-style: chr22-20779777-C-T. GRCh37 (hg19) VCF-style: chr22-21134065-C-T.
Other names: c.2262+13416G>A (NM_001362863.2); c.2328+13416G>A (NM_001362862.2, NM_058004.4).
Identifiers: ClinVar variation 3030144 (VCV003030144.2), dbSNP rs1436702764, ClinGen allele CA513697715.

ClinVar aggregate classification (germline): Likely benign (0 of 4 stars; one submission).

Conditions:
SERPIND1-related disorder. Also called: SERPIND1-related condition.

Allele frequency attached by ClinVar (database versions not stated): gnomAD exomes 0.00001; gnomAD 0.00003; TOPMed 0.00003.
gnomAD v4.1: 24 of 1,614,092 alleles (0.0015%); highest among the groups gnomAD compares: African/African-American, 0.004%; no homozygotes.

Submission:

PreventionGenetics, part of Exact Sciences
Classification: Likely benign for SERPIND1-related condition. Last evaluated: 2020-12-30. Review status: no assertion criteria provided. Collection method: clinical testing. Allele origin: germline.
Comment: This variant is classified as likely benign based on ACMG/AMP sequence variant interpretation guidelines (Richards et al. 2015 PMID: 25741868, with internal and published modifications).